The following is an entry in ClinVar:

NM_024496.4(IRF2BPL):c.1017C>G (p.Asp339Glu)

Gene: IRF2BPL (interferon regulatory factor 2 binding protein like; minus strand). Cytogenetic location: 14q24.3.
Variant type: single nucleotide variant.
Coding change: c.1017C>G on transcript NM_024496.4 (MANE Select); coding-DNA position 1017, C replaced by G.
Protein change: p.Asp339Glu; replaces aspartic acid 339 with glutamic acid.
Molecular consequence: missense variant.
Genome position (GRCh38, 1-based): chr14:77,026,776, G>C on the plus strand (C>G on the coding strand, the complement: IRF2BPL is on the minus strand). VCF-style: chr14-77026776-G-C. GRCh37 (hg19) VCF-style: chr14-77493119-G-C.
Other names: short protein forms D339E.
Identifiers: ClinVar variation 2403481 (VCV002403481.3), dbSNP rs928929617, ClinGen allele CA263778477.

ClinVar aggregate classification (germline): Uncertain significance. Review status: criteria provided, multiple submitters, no conflicts (2 of 4 stars). 2 submissions from 2 submitters: Uncertain significance (2). Last evaluated 2026-07-01.

Conditions:
Inborn genetic diseases. Identifiers: MedGen C0950123, MeSH D030342.

Allele frequency attached by ClinVar (database versions not stated): TOPMed 0.00001.

Submissions (2):

CeGaT Center for Human Genetics Tuebingen
Classification: Uncertain significance. Last evaluated: 2026-07-01. Review status: criteria provided, single submitter. Criteria: CeGaT Center For Human Genetics Tuebingen Variant Classification Criteria Version 2. Collection method: clinical testing. Allele origin: germline. Affected: yes. Observed: 1 variant allele.
Comment: IRF2BPL: PM2:Supporting, BP5

Ambry Genetics
Classification: Uncertain significance for Inborn genetic diseases. Last evaluated: 2022-12-05. Review status: criteria provided, single submitter. Criteria: Ambry Variant Classification Scheme 2023. Collection method: clinical testing. Allele origin: germline.